The following is an entry in ClinVar:

NM_144997.7(FLCN):c.1556_1557del (p.Leu518_Phe519insTer)

Gene: FLCN (folliculin; minus strand). Cytogenetic location: 17p11.2.
Variant type: Deletion.
Coding change: c.1556_1557del on transcript NM_144997.7 (MANE Select); coding-DNA positions 1556 to 1557, 2 bases deleted (TT; older notation c.1556_1557delTT).
Protein change: p.Leu518_Phe519insTer.
Molecular consequence: nonsense. On other transcripts: frameshift variant (1).
Genome position (GRCh38, 1-based): chr17:17,213,838-17,213,839, AA deleted on the plus strand (TT on the coding strand, the reverse complement: FLCN is on the minus strand); deleting any 2 consecutive bases within chr17:17,213,838-17,213,842 gives the same sequence; the c. name uses the placement nearest the transcript's 3' end. VCF-style (leftmost placement, unchanged base first): chr17-17213837-TAA-T. GRCh37 (hg19) VCF-style: chr17-17117151-TAA-T.
Other names: c.1610_1611del, p.Leu536_Phe537insTer (NM_001353229.2); c.1556_1557del, p.Leu518_Phe519insTer (NM_001353230.2, NM_001353231.2); c.1556_1557delTT (NM_144997.5).
Identifiers: ClinVar variation 4871378 (VCV004871378.1).

ClinVar aggregate classification (germline): Pathogenic (1 of 4 stars; one submission).

Conditions:
Hereditary cancer-predisposing syndrome. Also called: Neoplastic Syndromes, Hereditary; Hereditary Cancer Syndrome; Hereditary neoplastic syndrome; Tumor predisposition. Identifiers: Orphanet 140162, MedGen C0027672, MeSH D009386, MONDO:0015356.

Submission:

Ambry Genetics
Classification: Pathogenic for Hereditary cancer-predisposing syndrome. Last evaluated: 2026-04-16. Review status: criteria provided, single submitter. Criteria: Ambry Variant Classification Scheme 2023. Collection method: clinical testing. Allele origin: germline.
Comment: The c.1556_1557delTT pathogenic mutation, located in coding exon 11 of the FLCN gene, results from a deletion of two nucleotides at nucleotide positions 1556 to 1557, causing a translational frameshift with a predicted alternate stop codon (p.F519*). This variant occurs at the 3' terminus of the gene, is not expected to trigger nonsense-mediated mRNA decay, and impacts the last 10.5% of the protein. However, premature stop codons are typically deleterious in nature and a significant portion of the protein is affected and the impacted region is critical for protein function (Ambry internal data). This variant is considered to be rare based on population cohorts in the Genome Aggregation Database (gnomAD). Based on the supporting evidence, this variant is interpreted as a disease-causing mutation.